The following is an entry in ClinVar:

NM_001303052.2(MYT1L):c.1235C>T (p.Thr412Ile)

Gene: MYT1L (myelin transcription factor 1 like; minus strand). Cytogenetic location: 2p25.3.
Variant type: single nucleotide variant.
Coding change: c.1235C>T on transcript NM_001303052.2 (MANE Select); coding-DNA position 1235, C replaced by T.
Protein change: p.Thr412Ile; replaces threonine 412 with isoleucine.
Molecular consequence: missense variant.
Genome position (GRCh38, 1-based): chr2:1,922,534, G>A on the plus strand (C>T on the coding strand, the complement: MYT1L is on the minus strand). VCF-style: chr2-1922534-G-A. GRCh37 (hg19) VCF-style: chr2-1926306-G-A.
Other names: c.1235C>T, p.Thr412Ile (NM_001329844.2, NM_001329845.1, NM_001329846.3 and 6 more transcripts); short protein forms T412I.
Identifiers: ClinVar variation 4683181 (VCV004683181.1).

ClinVar aggregate classification (germline): Uncertain significance (1 of 4 stars; one submission).

Conditions:
Early onset severe obesity. Identifiers: MedGen C4013980.

Submission:

Cambridge Genomics Laboratory, East Genomic Laboratory Hub, NHS Genomic Medicine Service
Classification: Uncertain significance for Severe early-onset obesity. Last evaluated: 2025-08-01. Review status: criteria provided, single submitter. Criteria: ACGS Best Practice Guidelines for Variant Classification in Rare Disease 2020. Collection method: clinical testing. Allele origin: germline. Affected: yes.
Comment: BP4